The following is an entry in ClinVar:

ClinVar aggregate classification (germline): Uncertain significance (1 of 4 stars; one submission).

Conditions:
Early-infantile DEE. Also called: Early infantile epileptic encephalopathy with suppression bursts; Early infantile epileptic encephalopathy; Ohtahara syndrome. Identifiers: Orphanet 1934, MedGen C0393706, MONDO:0800491.

Submission:

Labcorp Genetics (formerly Invitae), Labcorp
Classification: Uncertain significance for Early-infantile DEE. Last evaluated: 2025-06-22. Review status: criteria provided, single submitter. Criteria: Invitae Variant Classification Sherloc (09022015). Collection method: clinical testing. Allele origin: germline.
Comment: This sequence change replaces tyrosine, which is neutral and polar, with histidine, which is basic and polar, at codon 1276 of the SCN1A protein (p.Tyr1276His). This variant is not present in population databases (gnomAD no frequency). This variant has not been reported in the literature in individuals affected with SCN1A-related conditions. Invitae Evidence Modeling of protein sequence and biophysical properties (such as structural, functional, and spatial information, amino acid conservation, physicochemical variation, residue mobility, and thermodynamic stability) indicates that this missense variant is expected to disrupt SCN1A protein function with a positive predictive value of 95%. In summary, the available evidence is currently insufficient to determine the role of this variant in disease. Therefore, it has been classified as a Variant of Uncertain Significance.

NM_001165963.4(SCN1A):c.3826T>C (p.Tyr1276His)

Genes: SCN1A (sodium voltage-gated channel alpha subunit 1; minus strand), LOC102724058 (uncharacterized LOC102724058; plus strand). Cytogenetic location: 2q24.3.
Variant type: single nucleotide variant.
Coding change: c.3826T>C on transcript NM_001165963.4 (MANE Select); coding-DNA position 3826, T replaced by C.
Protein change: p.Tyr1276His; replaces tyrosine 1276 with histidine.
Molecular consequence: missense variant. On other transcripts: non-coding transcript variant (1).
Genome position (GRCh38, 1-based): chr2:166,012,162, A>G on the plus strand (T>C on the coding strand, the complement: SCN1A is on the minus strand). VCF-style: chr2-166012162-A-G. GRCh37 (hg19) VCF-style: chr2-166868672-A-G.
Other names: c.3742T>C, p.Tyr1248His (NM_001165964.3, NM_001353957.2, NM_001353958.2); c.3826T>C, p.Tyr1276His (NM_001202435.3, NM_001353948.2); c.3793T>C, p.Tyr1265His (NM_001353949.2, NM_001353950.2, NM_001353951.2 and 2 more transcripts); c.3790T>C, p.Tyr1264His (NM_001353954.2, NM_001353955.2); c.3739T>C, p.Tyr1247His (NM_001353960.2); c.1384T>C, p.Tyr462His (NM_001353961.2); short protein forms Y1247H, Y1248H, Y1264H, Y1265H, Y1276H, Y462H.
Identifiers: ClinVar variation 4800270 (VCV004800270.1).